The following is an entry in ClinVar:

ClinVar aggregate classification (germline): Likely benign (0 of 4 stars; one submission).

Conditions:
SEMA3G-related disorder. Also called: SEMA3G-related condition.

Submission:

PreventionGenetics, part of Exact Sciences
Classification: Likely benign for SEMA3G-related condition. Last evaluated: 2023-12-30. Review status: no assertion criteria provided. Collection method: clinical testing. Allele origin: germline.
Comment: This variant is classified as likely benign based on ACMG/AMP sequence variant interpretation guidelines (Richards et al. 2015 PMID: 25741868, with internal and published modifications).

NM_020163.3(SEMA3G):c.885G>T (p.Ser295=)

Gene: SEMA3G (semaphorin 3G; minus strand). Cytogenetic location: 3p21.1.
Variant type: single nucleotide variant.
Coding change: c.885G>T on transcript NM_020163.3 (MANE Select); coding-DNA position 885, G replaced by T.
Protein change: p.Ser295=; no amino-acid change (serine 295 retained).
Molecular consequence: synonymous variant.
Genome position (GRCh38, 1-based): chr3:52,440,977, C>A on the plus strand (G>T on the coding strand, the complement: SEMA3G is on the minus strand). VCF-style: chr3-52440977-C-A. GRCh37 (hg19) VCF-style: chr3-52474993-C-A.
Identifiers: ClinVar variation 3051129 (VCV003051129.2), dbSNP rs771113427, ClinGen allele CA2438165.
Genomic context (GRCh38, chr3:52,440,977, plus strand): 5'-CTTGGCCAGGCCCTCACCTAGCTGGTCAAAGTGGGTCTCGGCACCACCAGGGCCGGGCAC[C>A]GAGCAGACCAGCCTGGCCTTGAGGAAAGTGCTCCATTTGTTCACCAGCACCCGCTGGCCC-3'
Protein context (NP_064548.1, residues 285-305): STFLKARLVC[Ser295=]VPGPGGAETH